The following is an entry in ClinVar:

ClinVar aggregate classification (germline): Uncertain significance (1 of 4 stars; one submission).

gnomAD v4.1: 52 of 1,614,028 alleles (0.0032%); highest among the groups gnomAD compares: Admixed American, 0.0083%; no homozygotes.

Submission:

GeneDx
Classification: Uncertain significance. Last evaluated: 2024-05-14. Review status: criteria provided, single submitter. Criteria: GeneDx Variant Classification Process June 2021. Collection method: clinical testing. Allele origin: germline. Affected: yes.
Comment: In silico analysis indicates that this missense variant does not alter protein structure/function; Has not been previously published as pathogenic or benign to our knowledge

NM_000552.5(VWF):c.2914G>A (p.Val972Met)

Gene: VWF (von Willebrand factor; minus strand). Cytogenetic location: 12p13.31.
Variant type: single nucleotide variant.
Coding change: c.2914G>A on transcript NM_000552.5 (MANE Select); coding-DNA position 2914, G replaced by A.
Protein change: p.Val972Met; replaces valine 972 with methionine.
Molecular consequence: missense variant.
Genome position (GRCh38, 1-based): chr12:6,029,395, C>T on the plus strand (G>A on the coding strand, the complement: VWF is on the minus strand). VCF-style: chr12-6029395-C-T. GRCh37 (hg19) VCF-style: chr12-6138561-C-T.
Other names: short protein forms V972M.
Identifiers: ClinVar variation 3383530 (VCV003383530.1).
Genomic context (GRCh38, chr12:6,029,395, plus strand): 5'-CACTGACCTGGTATGTCTGCTTCAGGACCACGGAGATGCTCAGGTGGCGGTCCCAGACCA[C>T]GGAGAGGGCTTTGCCCAGCAGCAGAATGATGTACCGGCCAGACTCCACCACCTCAAAGTG-3'
Protein context (NP_000543.3, residues 962-982): IILLLGKALS[Val972Met]VWDRHLSISV